The following is an entry in ClinVar:

ClinVar aggregate classification (germline): Uncertain significance (1 of 4 stars; one submission).

Conditions:
Inborn genetic diseases. Identifiers: MedGen C0950123, MeSH D030342.

Submission:

Ambry Genetics
Classification: Uncertain significance for Inborn genetic diseases. Last evaluated: 2024-10-15. Review status: criteria provided, single submitter. Criteria: Ambry Variant Classification Scheme 2023. Collection method: clinical testing. Allele origin: germline.
Comment: The p.I1422L variant (also known as c.4264A>C), located in coding exon 15 of the FANCM gene, results from an A to C substitution at nucleotide position 4264. The isoleucine at codon 1422 is replaced by leucine, an amino acid with highly similar properties. This amino acid position is conserved. In addition, this alteration is predicted to be tolerated by in silico analysis. Based on the available evidence, the clinical significance of this variant remains unclear.

NM_020937.4(FANCM):c.4264A>C (p.Ile1422Leu)

Gene: FANCM (FA complementation group M; plus strand). Cytogenetic location: 14q21.2.
Variant type: single nucleotide variant.
Coding change: c.4264A>C on transcript NM_020937.4 (MANE Select); coding-DNA position 4264, A replaced by C.
Protein change: p.Ile1422Leu; replaces isoleucine 1422 with leucine.
Molecular consequence: missense variant.
Genome position (GRCh38, 1-based): chr14:45,181,471, A>C. VCF-style: chr14-45181471-A-C. GRCh37 (hg19) VCF-style: chr14-45650674-A-C.
Other names: c.4186A>C, p.Ile1396Leu (NM_001308133.2); short protein forms I1396L, I1422L.
Identifiers: ClinVar variation 3512887 (VCV003512887.1).